The following is an entry in ClinVar:

ClinVar aggregate classification (germline): Conflicting classifications of pathogenicity. Review status: criteria provided, conflicting classifications (1 of 4 stars). 6 submissions from 6 submitters: Uncertain significance (1); Benign (4). 1 of the submissions does not count toward it. Last evaluated 2026-01-27.

Conditions:
Myopathy, centronuclear, 2 (CNM2). Also called: MYOTUBULAR MYOPATHY, AUTOSOMAL RECESSIVE. Identifiers: Orphanet 169186, MedGen CN031787, MONDO:0009709, OMIM 255200.

Allele frequency attached by ClinVar (database versions not stated): ExAC 0.00243; ESP Exome Variant Server 0.00441; TOPMed 0.00526; 1000 Genomes Project 30x 0.00531; gnomAD exomes 0.00046 and 0.00114; gnomAD 0.00498 and 0.00464; 1000 Genomes Project 0.00479.
gnomAD v4.1: 1,366 of 1,536,238 alleles (0.089%); highest among the groups gnomAD compares: African/African-American, 1.7%; 12 homozygotes.

Submissions (6):

Labcorp Genetics (formerly Invitae), Labcorp
Classification: Benign for Myopathy, centronuclear, 2. Last evaluated: 2026-01-27. Review status: criteria provided, single submitter. Criteria: Invitae Variant Classification Sherloc (09022015). Collection method: clinical testing. Allele origin: germline.

Mayo Clinic Laboratories, Mayo Clinic
Classification: Benign. Last evaluated: 2025-03-26. Review status: criteria provided, single submitter. Criteria: ACMG Guidelines, 2015. Collection method: clinical testing. Allele origin: germline. Observed: 3 variant alleles.
Comment: BA1, BP4, BP7

GeneDx
Classification: Benign. Last evaluated: 2019-11-27. Review status: criteria provided, single submitter. Criteria: GeneDx Variant Classification Process June 2021. Collection method: clinical testing. Allele origin: germline. Affected: yes.

Illumina Laboratory Services, Illumina
Classification: Uncertain significance for Myopathy, centronuclear, 2. Last evaluated: 2018-01-12. Review status: criteria provided, single submitter. Criteria: ICSL Variant Classification Criteria 13 December 2019. Collection method: clinical testing. Allele origin: germline.

PreventionGenetics, part of Exact Sciences
Classification: Benign. Review status: criteria provided, single submitter. Criteria: ACMG Guidelines, 2015. Collection method: clinical testing. Allele origin: germline.

Genetic Services Laboratory, University of Chicago
Classification: Likely benign. Review status: no assertion criteria provided. Collection method: clinical testing. Allele origin: germline. Inheritance: Autosomal recessive inheritance. Not counted in ClinVar's aggregate classification.
Comment: Likely benign based on allele frequency in 1000 Genomes Project or ESP global frequency and its presence in a patient with a rare or unrelated disease phenotype. NOT Sanger confirmed

NM_139343.3(BIN1):c.1132-7T>C

Gene: BIN1 (bridging integrator 1; minus strand). Cytogenetic location: 2q14.3.
Variant type: single nucleotide variant.
Coding change: c.1132-7T>C on transcript NM_139343.3 (MANE Select); 7 bases into the intron before coding-DNA position 1132, T replaced by C.
Molecular consequence: intron variant.
Genome position (GRCh38, 1-based): chr2:127,054,019, A>G on the plus strand (T>C on the coding strand, the complement: BIN1 is on the minus strand). VCF-style: chr2-127054019-A-G. GRCh37 (hg19) VCF-style: chr2-127811595-A-G.
Other names: p.?; c.1051-7T>C (NM_001320642.1); c.838-3107T>C (NM_001320634.1); c.910-3107T>C (NM_139351.3); c.910-2776T>C (NM_139350.3); c.910-1657T>C (NM_139349.3); c.1039-2776T>C (NM_139348.3); c.1039-1657T>C (NM_139347.3); and 8 more.
Identifiers: ClinVar variation 158007 (VCV000158007.23), dbSNP rs115938552, ClinGen allele CA171386.